The following is an entry in ClinVar:

NM_130760.3(MADCAM1):c.777C>G (p.Thr259=)

Genes: MADCAM1 (mucosal vascular addressin cell adhesion molecule 1; plus strand), MADCAM1-AS1 (MADCAM1 antisense RNA 1; minus strand). Cytogenetic location: 19p13.3.
Variant type: single nucleotide variant.
Coding change: c.777C>G on transcript NM_130760.3 (MANE Select); coding-DNA position 777, C replaced by G.
Protein change: p.Thr259=; no amino-acid change (threonine 259 retained).
Molecular consequence: synonymous variant. On other transcripts: intron variant (1).
Genome position (GRCh38, 1-based): chr19:501,778, C>G. VCF-style: chr19-501778-C-G. GRCh37 (hg19) VCF-style: chr19-501778-C-G.
Other names: c.667+2953C>G (NM_130762.3).
Identifiers: ClinVar variation 3904914 (VCV003904914.10).
Genomic context (GRCh38, chr19:501,778, plus strand): 5'-GTCTCCCGACACCACCTCCCCGGAGTCTCCCGACACCACCTCCCAGGAGCCTCCCGACAC[C>G]ACCTCCCCGGAGCCTCCCGACAAGACCTCCCCGGAGCCCGCCCCCCAGCAGGGCTCCACA-3'
Protein context (NP_570116.2, residues 249-269): PDTTSQEPPD[Thr259=]TSPEPPDKTS

ClinVar aggregate classification (germline): Likely benign (1 of 4 stars; one submission).

Submission:

CeGaT Center for Human Genetics Tuebingen
Classification: Likely benign. Last evaluated: 2025-05-01. Review status: criteria provided, single submitter. Criteria: CeGaT Center For Human Genetics Tuebingen Variant Classification Criteria Version 2. Collection method: clinical testing. Allele origin: germline. Affected: yes. Observed: 1 variant allele.
Comment: MADCAM1: PM2:Supporting, BP4, BP7